The following is an entry in ClinVar:

ClinVar aggregate classification (germline): Conflicting classifications of pathogenicity. Review status: criteria provided, conflicting classifications (1 of 4 stars). 14 submissions from 14 submitters: Uncertain significance (3); Benign (3); Likely benign (7). 1 of the submissions does not count toward it. Last evaluated 2026-01-28.

Conditions:
Intrauterine growth retardation, metaphyseal dysplasia, adrenal hypoplasia congenita, genital anomalies, and immunodeficiency. Also called: IMAGEI SYNDROME. Identifiers: MedGen C5193036, MONDO:0032684, OMIM 618336.
Facial dysmorphism-immunodeficiency-livedo-short stature syndrome. Also called: Facial dysmorphism, immunodeficiency, livedo, and short stature; FILS syndrome. Identifiers: Orphanet 352712, MedGen C3554576, MONDO:0014058, OMIM 615139.
Colorectal cancer, susceptibility to, 12 (CRCS12). Also called: COLORECTAL CANCER, SUSCEPTIBILITY TO, ON CHROMOSOME 12q24. Identifiers: Orphanet 220460, MedGen C3554460, MONDO:0014038, OMIM 615083.
POLE-related disorder. Also called: POLE-related condition; POLE-related disorders.
Hereditary cancer-predisposing syndrome. Also called: Hereditary Cancer Syndrome; Tumor predisposition; Hereditary neoplastic syndrome; Neoplastic Syndromes, Hereditary. Identifiers: Orphanet 140162, MedGen C0027672, MeSH D009386, MONDO:0015356.

Allele frequency attached by ClinVar (database versions not stated): ESP Exome Variant Server 0.00023; TOPMed 0.00027; 1000 Genomes Project 0.00060; 1000 Genomes Project 30x 0.00062.
gnomAD v4.1: 319 of 1,613,720 alleles (0.02%); highest among the groups gnomAD compares: Admixed American, 0.14%; no homozygotes.

Submissions (14):

Labcorp Genetics (formerly Invitae), Labcorp
Classification: Likely benign. Last evaluated: 2026-01-28. Review status: criteria provided, single submitter. Criteria: Invitae Variant Classification Sherloc (09022015). Collection method: clinical testing. Allele origin: germline.

Dasa
Classification: Likely benign. Last evaluated: 2026-01-26. Review status: criteria provided, single submitter. Criteria: DASA Assertion Criteria. Collection method: clinical testing. Allele origin: germline.
Comment: NM_006231.4(POLE):c.4645C>G (p.Pro1549Ala) is a missense variant that results in the substitution of proline with alanine. Population frequency is inconsistent with a disease-causing role for this variant. Computational prediction algorithms are consistent with a benign effect. Therefore, based on the currently available evidence, this variant is classified as likely benign.

Center for Genomic Medicine, Rigshospitalet, Copenhagen University Hospital
Classification: Uncertain significance. Last evaluated: 2025-03-04. Review status: criteria provided, single submitter. Criteria: ACMG Guidelines, 2015. Collection method: clinical testing. Allele origin: germline.

KCCC/NGS Laboratory, Kuwait Cancer Control Center
Classification: Benign for Colorectal cancer, susceptibility to, 12. Last evaluated: 2025-02-01. Review status: criteria provided, single submitter. Criteria: ACMG Guidelines, 2015. Collection method: clinical testing. Allele origin: germline. Affected: no.

Blueprint Genetics
Classification: Likely benign. Last evaluated: 2024-11-26. Review status: criteria provided, single submitter. Criteria: ACMG Guidelines, 2015. Collection method: clinical testing. Allele origin: germline.

Ambry Genetics
Classification: Benign for Hereditary cancer-predisposing syndrome. Last evaluated: 2024-08-20. Review status: criteria provided, single submitter. Criteria: Ambry Variant Classification Scheme 2023. Collection method: clinical testing. Allele origin: germline.

Revvity Omics, Revvity
Classification: Uncertain significance. Last evaluated: 2023-03-28. Review status: criteria provided, single submitter. Criteria: ACMG Guidelines, 2015. Collection method: clinical testing. Allele origin: germline.

Sema4
Classification: Likely benign for Hereditary cancer-predisposing syndrome. Last evaluated: 2021-04-26. Review status: criteria provided, single submitter. Criteria: Sema4 Curation Guidelines. Collection method: curation. Allele origin: germline.

GeneDx
Classification: Likely benign. Last evaluated: 2021-01-27. Review status: criteria provided, single submitter. Criteria: GeneDx Variant Classification Process June 2021. Collection method: clinical testing. Allele origin: germline. Affected: yes.

ARUP Laboratories, Molecular Genetics and Genomics, ARUP Laboratories
Classification: Uncertain significance. Last evaluated: 2019-10-24. Review status: criteria provided, single submitter. Criteria: ARUP Molecular Germline Variant Investigation Process. Collection method: clinical testing. Allele origin: germline.
Comment: The POLE c.4645C>G; p.Pro1549Ala variant (rs147500308), to our knowledge, is not reported in the medical literature but is reported in ClinVar (Variation ID: 240531). This variant is found in the general population with an overall allele frequency of 0.04% (101/282144 alleles) in the Genome Aggregation Database. The proline at codon 1549 is weakly conserved, and computational analyses (SIFT, PolyPhen-2) predict that this variant is tolerated. However, due to the lack of clinical and functional data, the clinical significance of this variant is uncertain at this time.

Department of Pathology and Laboratory Medicine, Sinai Health System
Classification: Likely benign for Colorectal cancer, susceptibility to, 12; Facial dysmorphism-immunodeficiency-livedo-short stature syndrome; Intrauterine growth retardation, metaphyseal dysplasia, adrenal hypoplasia congenita, genital anomalies, and immunodeficiency. Last evaluated: 2019-10-03. Review status: criteria provided, single submitter. Criteria: ACMG Guidelines, 2015. Collection method: clinical testing. Allele origin: germline. Affected: yes.

Mendelics
Classification: Likely benign for Colorectal cancer, susceptibility to, 12. Last evaluated: 2019-05-28. Review status: criteria provided, single submitter. Criteria: Mendelics Assertion Criteria 2017. Collection method: clinical testing. Allele origin: unknown.

Quest Diagnostics Nichols Institute San Juan Capistrano
Classification: Benign. Last evaluated: 2017-08-22. Review status: criteria provided, single submitter. Criteria: Quest Diagnostics criteria. Collection method: clinical testing. Allele origin: unknown.

PreventionGenetics, part of Exact Sciences
Classification: Likely benign for POLE-related condition. Last evaluated: 2020-12-04. Review status: no assertion criteria provided. Collection method: clinical testing. Allele origin: germline. Not counted in ClinVar's aggregate classification.
Comment: This variant is classified as likely benign based on ACMG/AMP sequence variant interpretation guidelines (Richards et al. 2015 PMID: 25741868, with internal and published modifications).

NM_006231.4(POLE):c.4645C>G (p.Pro1549Ala)

Gene: POLE (DNA polymerase epsilon, catalytic subunit; minus strand). Cytogenetic location: 12q24.33.
Variant type: single nucleotide variant.
Coding change: c.4645C>G on transcript NM_006231.4 (MANE Select); coding-DNA position 4645, C replaced by G.
Protein change: p.Pro1549Ala; replaces proline 1549 with alanine.
Molecular consequence: missense variant.
Genome position (GRCh38, 1-based): chr12:132,642,903, G>C on the plus strand (C>G on the coding strand, the complement: POLE is on the minus strand). VCF-style: chr12-132642903-G-C. GRCh37 (hg19) VCF-style: chr12-133219489-G-C.
Other names: short protein forms P1549A.
Identifiers: ClinVar variation 240531 (VCV000240531.37), dbSNP rs147500308, ClinGen allele CA6892757.
Genomic context (GRCh38, chr12:132,642,903, plus strand): 5'-GGATGGCTCTGCAGATGGTCTTCAGGTCAGTTTCTGCCCGAACTTCGAAGGTGTGTTTGG[G>C]GGGTGGCAGGAGCTCAGGGCCCACCTTCTCCAGGAGGAGGCCGTGCTCTGCTGAGTACAG-3'
Protein context (NP_006222.2, residues 1539-1559): EKVGPELLPP[Pro1549Ala]KHTFEVRAET